The following is an entry in ClinVar:

NM_138576.4(BCL11B):c.1148G>A (p.Gly383Asp)

Gene: BCL11B (BCL11 transcription factor B; minus strand). Cytogenetic location: 14q32.2.
Variant type: single nucleotide variant.
Coding change: c.1148G>A on transcript NM_138576.4 (MANE Select); coding-DNA position 1148, G replaced by A.
Protein change: p.Gly383Asp; replaces glycine 383 with aspartic acid.
Molecular consequence: missense variant.
Genome position (GRCh38, 1-based): chr14:99,175,688, C>T on the plus strand (G>A on the coding strand, the complement: BCL11B is on the minus strand). VCF-style: chr14-99175688-C-T. GRCh37 (hg19) VCF-style: chr14-99642025-C-T.
Other names: c.1145G>A, p.Gly382Asp (NM_001282237.2); c.932G>A, p.Gly311Asp (NM_001282238.2); c.935G>A, p.Gly312Asp (NM_022898.3); c.935G>A (NM_022898.2); short protein forms G312D, G311D, G382D, G383D.
Identifiers: ClinVar variation 1415162 (VCV001415162.10), dbSNP rs750270104, ClinGen allele CA390936010.

ClinVar aggregate classification (germline): Uncertain significance. Review status: criteria provided, multiple submitters, no conflicts (2 of 4 stars). 3 submissions from 3 submitters: Uncertain significance (2). 1 of the submissions does not count toward it. Last evaluated 2022-10-05.

Conditions:
BCL11B-related disorder. Also called: BCL11B-Related Disorders.

Allele frequency attached by ClinVar (database versions not stated): TOPMed 0.00001.
gnomAD v4.1: 32 of 1,527,758 alleles (0.0021%); highest among the groups gnomAD compares: Non-Finnish European, 0.0028%; no homozygotes.

Submissions (3):

Labcorp Genetics (formerly Invitae), Labcorp
Classification: Uncertain significance. Last evaluated: 2022-10-05. Review status: criteria provided, single submitter. Criteria: Invitae Variant Classification Sherloc (09022015). Collection method: clinical testing. Allele origin: germline.
Comment: In summary, the available evidence is currently insufficient to determine the role of this variant in disease. Therefore, it has been classified as a Variant of Uncertain Significance. Advanced modeling of protein sequence and biophysical properties (such as structural, functional, and spatial information, amino acid conservation, physicochemical variation, residue mobility, and thermodynamic stability) performed at Invitae indicates that this missense variant is not expected to disrupt BCL11B protein function. ClinVar contains an entry for this variant (Variation ID: 1415162). This variant has not been reported in the literature in individuals affected with BCL11B-related conditions. This variant is not present in population databases (gnomAD no frequency). This sequence change replaces glycine, which is neutral and non-polar, with aspartic acid, which is acidic and polar, at codon 383 of the BCL11B protein (p.Gly383Asp).

Blueprint Genetics
Classification: Uncertain significance. Last evaluated: 2022-06-07. Review status: criteria provided, single submitter. Criteria: ACMG Guidelines, 2015. Collection method: clinical testing. Allele origin: germline.

PreventionGenetics, part of Exact Sciences
Classification: Uncertain significance for BCL11B-related condition. Last evaluated: 2024-08-27. Review status: no assertion criteria provided. Collection method: clinical testing. Allele origin: germline. Not counted in ClinVar's aggregate classification.
Comment: The BCL11B c.935G>A variant is predicted to result in the amino acid substitution p.Gly312Asp. To our knowledge, this variant has not been reported in the literature or in gnomAD v2 (as displayed in the table above), indicating this variant is rare. However, in gnomAD v4 (available only on GRCh38), this variant is reported in 32 out of 1,527,758 alleles. This population data is not consistent with this being a primary cause of disease. While this variant may be benign, at this time, the clinical significance of this variant is uncertain due to the absence of conclusive functional and genetic evidence.